The following is an entry in ClinVar:

ClinVar aggregate classification (germline): Uncertain significance (1 of 4 stars; one submission).

Conditions:
EMILIN1-related disorder. Also called: EMILIN1-related condition.

gnomAD v4.1: 57 of 1,613,214 alleles (0.0035%); highest among the groups gnomAD compares: Non-Finnish European, 0.0044%; no homozygotes.

Submission:

PreventionGenetics, part of Exact Sciences
Classification: Uncertain significance for EMILIN1-related condition. Last evaluated: 2025-08-07. Review status: criteria provided, single submitter. Criteria: ACMG Guidelines, 2015. Collection method: clinical testing. Allele origin: germline.
Comment: The EMILIN1 c.1759G>A variant is predicted to result in the amino acid substitution p.Gly587Arg. To our knowledge, this variant has not been reported in the literature. This variant is reported in 0.011% of alleles in individuals of European (non-Finnish) descent in gnomAD. At this time, the clinical significance of this variant is uncertain due to the absence of conclusive functional and genetic evidence.

NM_007046.4(EMILIN1):c.1759G>A (p.Gly587Arg)

Gene: EMILIN1 (elastin microfibril interfacer 1; plus strand). Cytogenetic location: 2p23.3.
Variant type: single nucleotide variant.
Coding change: c.1759G>A on transcript NM_007046.4 (MANE Select); coding-DNA position 1759, G replaced by A.
Protein change: p.Gly587Arg; replaces glycine 587 with arginine.
Molecular consequence: missense variant.
Genome position (GRCh38, 1-based): chr2:27,083,330, G>A. VCF-style: chr2-27083330-G-A. GRCh37 (hg19) VCF-style: chr2-27306198-G-A.
Other names: short protein forms G587R.
Identifiers: ClinVar variation 4978658 (VCV004978658.1).